The following is an entry in ClinVar:

ClinVar aggregate classification (germline): Uncertain significance. Review status: criteria provided, multiple submitters, no conflicts (2 of 4 stars). 6 submissions from 6 submitters: Uncertain significance (6). Last evaluated 2026-08-18.

Conditions:
PAX2-Related Disorder. Also called: PAX2-related disorders. Identifiers: MedGen CN381309.
Renal coloboma syndrome (PAPRS). Also called: PAPILLORENAL SYNDROME; COLOBOMA OF OPTIC NERVE WITH RENAL DISEASE; PAPILLORENAL SYNDROME WITH MILD OCULAR ABNORMALITIES; OPTIC COLOBOMA, VESICOURETERAL REFLUX, AND RENAL ANOMALIES; OPTIC NERVE COLOBOMA WITH RENAL DISEASE; RENAL-COLOBOMA SYNDROME WITH MACULAR ABNORMALITIES. Identifiers: Orphanet 1475, MedGen C1852759, MONDO:0007352, OMIM 120330.
Focal segmental glomerulosclerosis 7 (FSGS7). Identifiers: Orphanet 656, MedGen C4014925, MONDO:0014451, OMIM 616002.

Allele frequency attached by ClinVar (database versions not stated): gnomAD exomes 0.00001 and 0.00002; ExAC 0.00002; gnomAD 0.00005; TOPMed 0.00006.

Submissions (6):

PreventionGenetics, part of Exact Sciences
Classification: Uncertain significance for PAX2-related condition. Last evaluated: 2026-08-18. Review status: criteria provided, single submitter. Criteria: ACMG Guidelines, 2015. Collection method: clinical testing. Allele origin: germline.
Comment: The PAX2 c.563A>G variant is predicted to result in the amino acid substitution p.Asn188Ser. This variant has been reported in an individual with nephrotic syndrome (Table S2, Park et al. 2020. PubMed ID: 32604935). This variant was also reported in an individual with kidney stones (Table 3, Jin et al. 2025. PubMed ID: 40572647). This variant is present in 0.012% of alleles in individuals of African descent in gnomAD. Although we suspect that this variant may be pathogenic, at this time, the clinical significance of this variant is uncertain due to the absence of conclusive functional and genetic evidence.

Mayo Clinic Laboratories, Mayo Clinic
Classification: Uncertain significance. Last evaluated: 2025-11-18. Review status: criteria provided, single submitter. Criteria: ACMG Guidelines, 2015. Collection method: clinical testing. Allele origin: germline. Observed: 1 variant allele.

Labcorp Genetics (formerly Invitae), Labcorp
Classification: Uncertain significance for Renal coloboma syndrome; Focal segmental glomerulosclerosis 7. Last evaluated: 2025-09-01. Review status: criteria provided, single submitter. Criteria: Invitae Variant Classification Sherloc (09022015). Collection method: clinical testing. Allele origin: germline.
Comment: This sequence change replaces asparagine, which is neutral and polar, with serine, which is neutral and polar, at codon 188 of the PAX2 protein (p.Asn188Ser). This variant is present in population databases (rs767995614, gnomAD 0.01%). This missense change has been observed in individual(s) with clinical features of PAX2-related conditions (PMID: 32604935, 40572647). ClinVar contains an entry for this variant (Variation ID: 862725). An algorithm developed to predict the effect of missense changes on protein structure and function (PolyPhen-2) suggests that this variant is likely to be disruptive. In summary, the available evidence is currently insufficient to determine the role of this variant in disease. Therefore, it has been classified as a Variant of Uncertain Significance.

Fulgent Genetics
Classification: Uncertain significance for Renal coloboma syndrome; Focal segmental glomerulosclerosis 7. Last evaluated: 2022-01-11. Review status: criteria provided, single submitter. Criteria: ACMG Guidelines, 2015. Collection method: clinical testing. Allele origin: unknown.

Institute of Human Genetics, University of Leipzig Medical Center
Classification: Uncertain significance for Focal segmental glomerulosclerosis 7. Last evaluated: 2018-04-06. Review status: criteria provided, single submitter. Criteria: ACMG Guidelines, 2015. Collection method: clinical testing. Allele origin: germline. Affected: yes. Observed: 1 variant allele.

Centre for Mendelian Genomics, University Medical Centre Ljubljana
Classification: Uncertain significance for Renal coloboma syndrome. Last evaluated: 2016-01-01. Review status: criteria provided, single submitter. Criteria: ACMG Guidelines, 2015. Collection method: clinical testing. Allele origin: unknown. Affected: yes.
Comment: This variant was classified as: Uncertain significance. The following ACMG criteria were applied in classifying this variant: PP3,PP4.

Literature cited by the submitters: PubMed 32604935 (cited by Mayo Clinic Laboratories, Mayo Clinic and Labcorp Genetics (formerly Invitae), Labcorp); PubMed 40572647 (cited by Labcorp Genetics (formerly Invitae), Labcorp).

NM_000278.5(PAX2):c.563A>G (p.Asn188Ser)

Gene: PAX2 (paired box 2; plus strand). Cytogenetic location: 10q24.31.
Variant type: single nucleotide variant.
Coding change: c.563A>G on transcript NM_000278.5 (MANE Select); coding-DNA position 563, A replaced by G.
Protein change: p.Asn188Ser; replaces asparagine 188 with serine.
Molecular consequence: missense variant.
Genome position (GRCh38, 1-based): chr10:100,781,312, A>G. VCF-style: chr10-100781312-A-G. GRCh37 (hg19) VCF-style: chr10-102541069-A-G.
Other names: p.Asn188Ser; c.563A>G (NM_003990.4); c.656A>G, p.Asn219Ser (NM_001304569.2); c.563A>G, p.Asn188Ser (NM_003987.5, NM_003988.5, NM_003989.5 and 1 more transcripts); short protein forms N188S, N219S.
Identifiers: ClinVar variation 862725 (VCV000862725.14), dbSNP rs767995614, ClinGen allele CA5650763.